The following is an entry in ClinVar:

ClinVar aggregate classification (germline): Uncertain significance (1 of 4 stars; one submission).

Allele frequency attached by ClinVar (database versions not stated): gnomAD exomes 0.00001; TOPMed 0.00001; gnomAD 0.00002; ExAC 0.00003; 1000 Genomes Project 30x 0.00016; 1000 Genomes Project 0.00020.
gnomAD v4.1: 10 of 1,601,822 alleles (0.00062%); highest among the groups gnomAD compares: African/African-American, 0.0027%; no homozygotes.

Submission:

Labcorp Genetics (formerly Invitae), Labcorp
Classification: Uncertain significance. Last evaluated: 2023-03-30. Review status: criteria provided, single submitter. Criteria: Invitae Variant Classification Sherloc (09022015). Collection method: clinical testing. Allele origin: germline.
Comment: This variant has not been reported in the literature in individuals affected with ZBTB20-related conditions. This sequence change replaces proline, which is neutral and non-polar, with arginine, which is basic and polar, at codon 285 of the ZBTB20 protein (p.Pro285Arg). This variant is present in population databases (rs199630636, gnomAD 0.02%). Advanced modeling of protein sequence and biophysical properties (such as structural, functional, and spatial information, amino acid conservation, physicochemical variation, residue mobility, and thermodynamic stability) has been performed at Invitae for this missense variant, however the output from this modeling did not meet the statistical confidence thresholds required to predict the impact of this variant on ZBTB20 protein function. In summary, the available evidence is currently insufficient to determine the role of this variant in disease. Therefore, it has been classified as a Variant of Uncertain Significance.

NM_001348800.3(ZBTB20):c.854C>G (p.Pro285Arg)

Gene: ZBTB20 (zinc finger and BTB domain containing 20; minus strand). Cytogenetic location: 3q13.31.
Variant type: single nucleotide variant.
Coding change: c.854C>G on transcript NM_001348800.3 (MANE Select); coding-DNA position 854, C replaced by G.
Protein change: p.Pro285Arg; replaces proline 285 with arginine.
Molecular consequence: missense variant.
Genome position (GRCh38, 1-based): chr3:114,351,224, G>C on the plus strand (C>G on the coding strand, the complement: ZBTB20 is on the minus strand). VCF-style: chr3-114351224-G-C. GRCh37 (hg19) VCF-style: chr3-114070071-G-C.
Other names: c.854C>G, p.Pro285Arg (NM_001164342.2, NM_001348803.3, NM_001393393.1 and 1 more transcripts); c.635C>G, p.Pro212Arg (NM_001164343.2, NM_001164344.4, NM_001164345.4 and 9 more transcripts); short protein forms P285R, P212R.
Identifiers: ClinVar variation 2851050 (VCV002851050.3), dbSNP rs199630636, ClinGen allele CA2551374.